The following is an entry in ClinVar:

NM_023036.6(DNAI2):c.865-1G>C

Gene: DNAI2 (dynein axonemal intermediate chain 2; plus strand). Cytogenetic location: 17q25.1.
Variant type: single nucleotide variant.
Coding change: c.865-1G>C on transcript NM_023036.6 (MANE Select); the canonical splice acceptor site of the intron before coding-DNA position 865, G replaced by C.
Molecular consequence: splice acceptor variant.
Genome position (GRCh38, 1-based): chr17:74,301,045, G>C. VCF-style: chr17-74301045-G-C. GRCh37 (hg19) VCF-style: chr17-72297184-G-C.
Other names: c.865-1G>C (NM_001353167.2, NM_001172810.3).
Identifiers: ClinVar variation 1516008 (VCV001516008.6), dbSNP rs776777011, ClinGen allele CA8745535.
Genomic context (GRCh38, chr17:74,301,045, plus strand): 5'-AGGCAAAAGCCAGGGGAAATACAGGGCCTCGAAGTCTCACTGTCGCCCCTCCTCCCACCA[G>C]GTCATGTGGTGGGACATCCGAAAGATGAGCGAGCCCACTGAAGTTGTGATCTTGGACATC-3'

ClinVar aggregate classification (germline): Likely pathogenic (1 of 4 stars; one submission).

Conditions:
Primary ciliary dyskinesia. Also called: Ciliary dyskinesia. Identifiers: Orphanet 244, MedGen C0008780, MONDO:0016575, HP:0012265.

Allele frequency attached by ClinVar (database versions not stated): gnomAD exomes below 0.00001; ExAC 0.00001.

Submission:

Labcorp Genetics (formerly Invitae), Labcorp
Classification: Likely pathogenic for Primary ciliary dyskinesia. Last evaluated: 2023-10-11. Review status: criteria provided, single submitter. Criteria: Invitae Variant Classification Sherloc (09022015). Collection method: clinical testing. Allele origin: germline.
Comment: This sequence change affects an acceptor splice site in intron 7 of the DNAI2 gene. It is expected to disrupt RNA splicing. Variants that disrupt the donor or acceptor splice site typically lead to a loss of protein function (PMID: 16199547), and loss-of-function variants in DNAI2 are known to be pathogenic (PMID: 18950741, 23891469). This variant is present in population databases (rs776777011, gnomAD 0.006%). This variant has not been reported in the literature in individuals affected with DNAI2-related conditions. ClinVar contains an entry for this variant (Variation ID: 1516008). Algorithms developed to predict the effect of sequence changes on RNA splicing suggest that this variant may disrupt the consensus splice site. In summary, the currently available evidence indicates that the variant is pathogenic, but additional data are needed to prove that conclusively. Therefore, this variant has been classified as Likely Pathogenic.

Literature cited by the submitters: PubMed 16199547; PubMed 18950741; PubMed 23891469.